The following is an entry in ClinVar:

NM_000719.7(CACNA1C):c.5779C>A (p.His1927Asn)

Genes: CACNA1C (calcium voltage-gated channel subunit alpha1 C; plus strand), CACNA1C-AS1 (CACNA1C antisense RNA 1; minus strand). Cytogenetic location: 12p13.33.
Variant type: single nucleotide variant.
Coding change: c.5779C>A on transcript NM_000719.7 (MANE Select); coding-DNA position 5779, C replaced by A.
Protein change: p.His1927Asn; replaces histidine 1927 with asparagine.
Molecular consequence: missense variant.
Genome position (GRCh38, 1-based): chr12:2,686,264, C>A. VCF-style: chr12-2686264-C-A. GRCh37 (hg19) VCF-style: chr12-2795430-C-A.
Other names: c.5923C>A, p.His1975Asn (NM_001129827.2); c.5902C>A, p.His1968Asn (NM_001129829.2); c.5884C>A, p.His1962Asn (NM_001129830.3, NM_001167624.3); c.5863C>A, p.His1955Asn (NM_001129831.2); c.5839C>A, p.His1947Asn (NM_001129832.2); c.5836C>A, p.His1946Asn (NM_001129833.2, NM_001129834.2, NM_001129835.2); c.5830C>A, p.His1944Asn (NM_001129836.2); c.5803C>A, p.His1935Asn (NM_001129837.2, NM_001129838.2); and 6 more; short protein forms H1916N, H1935N, H1944N, H1946N, H1947N, H1962N, H1968N, H1924N.
Identifiers: ClinVar variation 834607 (VCV000834607.10), dbSNP rs750568562, ClinGen allele CA383382828.

ClinVar aggregate classification (germline): Uncertain significance (1 of 4 stars; one submission).

Conditions:
Long QT syndrome (LQTS). Identifiers: MedGen C0023976, MeSH D008133, MONDO:0002442. Disease mechanism: loss of function. Inheritance: Various modes of inheritance.

Submission:

Labcorp Genetics (formerly Invitae), Labcorp
Classification: Uncertain significance for Long QT syndrome. Last evaluated: 2019-12-02. Review status: criteria provided, single submitter. Criteria: Invitae Variant Classification Sherloc (09022015). Collection method: clinical testing. Allele origin: germline.
Comment: In summary, the available evidence is currently insufficient to determine the role of this variant in disease. Therefore, it has been classified as a Variant of Uncertain Significance. Algorithms developed to predict the effect of missense changes on protein structure and function are either unavailable or do not agree on the potential impact of this missense change (SIFT: "Tolerated"; PolyPhen-2: "Probably Damaging"; Align-GVGD: "Class C0"). This variant has not been reported in the literature in individuals with CACNA1C-related conditions. This variant is not present in population databases (ExAC no frequency). This sequence change replaces histidine with asparagine at codon 1927 of the CACNA1C protein (p.His1927Asn). The histidine residue is moderately conserved and there is a small physicochemical difference between histidine and asparagine.